The following is an entry in ClinVar:

NM_014679.5(CEP57):c.1009T>C (p.Ser337Pro)

Gene: CEP57 (centrosomal protein 57; plus strand). Cytogenetic location: 11q21.
Variant type: single nucleotide variant.
Coding change: c.1009T>C on transcript NM_014679.5 (MANE Select); coding-DNA position 1009, T replaced by C.
Protein change: p.Ser337Pro; replaces serine 337 with proline.
Molecular consequence: missense variant.
Genome position (GRCh38, 1-based): chr11:95,827,909, T>C. VCF-style: chr11-95827909-T-C. GRCh37 (hg19) VCF-style: chr11-95561073-T-C.
Other names: c.1009T>C (NM_014679.4); c.982T>C, p.Ser328Pro (NM_001243776.2); c.931T>C, p.Ser311Pro (NM_001243777.2); c.928T>C, p.Ser310Pro (NM_001363604.2); short protein forms S337P, S311P, S310P, S328P.
Identifiers: ClinVar variation 1505374 (VCV001505374.7), dbSNP rs1453457813, ClinGen allele CA382408061.

ClinVar aggregate classification (germline): Uncertain significance. Review status: criteria provided, multiple submitters, no conflicts (2 of 4 stars). 2 submissions from 2 submitters: Uncertain significance (2). Last evaluated 2024-10-02.

Conditions:
Inborn genetic diseases. Identifiers: MedGen C0950123, MeSH D030342.
Mosaic variegated aneuploidy syndrome 2 (MVA2). Identifiers: Orphanet 1052, MedGen C3279843, MONDO:0013582, OMIM 614114.

Allele frequency attached by ClinVar (database versions not stated): TOPMed below 0.00001; gnomAD 0.00001.
gnomAD v4.1: 1 of 1,614,044 alleles (0.000062%); highest among the groups gnomAD compares: Non-Finnish European, 0.000085%; no homozygotes.

Submissions (2):

Ambry Genetics
Classification: Uncertain significance for Inborn genetic diseases. Last evaluated: 2024-10-02. Review status: criteria provided, single submitter. Criteria: Ambry Variant Classification Scheme 2023. Collection method: clinical testing. Allele origin: germline.
Comment: The p.S337P variant (also known as c.1009T>C), located in coding exon 9 of the CEP57 gene, results from a T to C substitution at nucleotide position 1009. The serine at codon 337 is replaced by proline, an amino acid with similar properties. This amino acid position is conserved. In addition, this alteration is predicted to be tolerated by in silico analysis. Based on the available evidence, the clinical significance of this variant remains unclear.

Labcorp Genetics (formerly Invitae), Labcorp
Classification: Uncertain significance for Mosaic variegated aneuploidy syndrome 2. Last evaluated: 2022-02-25. Review status: criteria provided, single submitter. Criteria: Invitae Variant Classification Sherloc (09022015). Collection method: clinical testing. Allele origin: germline.
Comment: This sequence change replaces serine, which is neutral and polar, with proline, which is neutral and non-polar, at codon 337 of the CEP57 protein (p.Ser337Pro). This variant is not present in population databases (gnomAD no frequency). This variant has not been reported in the literature in individuals affected with CEP57-related conditions. Algorithms developed to predict the effect of missense changes on protein structure and function output the following: SIFT: "Tolerated"; PolyPhen-2: "Benign"; Align-GVGD: "Class C0". The proline amino acid residue is found in multiple mammalian species, which suggests that this missense change does not adversely affect protein function. In summary, the available evidence is currently insufficient to determine the role of this variant in disease. Therefore, it has been classified as a Variant of Uncertain Significance.